The following is an entry in ClinVar:

ClinVar aggregate classification (germline): Uncertain significance (1 of 4 stars; one submission).

Submission:

Dasa
Classification: Uncertain significance. Last evaluated: 2025-11-09. Review status: criteria provided, single submitter. Criteria: DASA Assertion Criteria. Collection method: clinical testing. Allele origin: germline.
Comment: NM_172070.4(UBR3):c.2566+1G>A affects a canonical splice site and is predicted to disrupt normal RNA splicing. This variant is rare in population databases. The currently available literature and clinical evidence are not sufficient to establish a definitive association between this variant and the reported condition. Therefore, this variant is classified as a variant of uncertain significance.

NM_172070.4(UBR3):c.2566+1G>A

Gene: UBR3 (ubiquitin protein ligase E3 component n-recognin 3; plus strand). Cytogenetic location: 2q31.1.
Variant type: single nucleotide variant.
Coding change: c.2566+1G>A on transcript NM_172070.4 (MANE Select); the canonical splice donor site of the intron after coding-DNA position 2566, G replaced by A.
Molecular consequence: splice donor variant.
Genome position (GRCh38, 1-based): chr2:169,928,869, G>A. VCF-style: chr2-169928869-G-A. GRCh37 (hg19) VCF-style: chr2-170785379-G-A.
Identifiers: ClinVar variation 4885298 (VCV004885298.2).